The following is an entry in ClinVar:

ClinVar aggregate classification (germline): Uncertain significance (1 of 4 stars; one submission).

Conditions:
Developmental and epileptic encephalopathy, 37 (DEE37). Also called: Epileptic encephalopathy, early infantile, 37. Identifiers: MedGen C4310770, MONDO:0014859, OMIM 616981.

Submission:

Labcorp Genetics (formerly Invitae), Labcorp
Classification: Uncertain significance for Developmental and epileptic encephalopathy, 37. Last evaluated: 2021-01-19. Review status: criteria provided, single submitter. Criteria: Invitae Variant Classification Sherloc (09022015). Collection method: clinical testing. Allele origin: germline.
Comment: The frequency data for this variant in the population databases is considered unreliable, as metrics indicate insufficient coverage at this position in the ExAC database. This sequence change replaces alanine with valine at codon 15 of the FRRS1L protein (p.Ala15Val). The alanine residue is weakly conserved and there is a small physicochemical difference between alanine and valine. This variant has not been reported in the literature in individuals with FRRS1L-related conditions. Algorithms developed to predict the effect of missense changes on protein structure and function are either unavailable or do not agree on the potential impact of this missense change (SIFT: "Deleterious"; PolyPhen-2: "Not Available"; Align-GVGD: "Class C0"). In summary, the available evidence is currently insufficient to determine the role of this variant in disease. Therefore, it has been classified as a Variant of Uncertain Significance.

NM_014334.4(FRRS1L):c.-110C>T

Gene: FRRS1L (ferric chelate reductase 1 like; minus strand). Cytogenetic location: 9q31.3.
Variant type: single nucleotide variant.
Coding change: c.-110C>T on transcript NM_014334.4 (MANE Select); 110 bases upstream of the start codon, C replaced by T.
Molecular consequence: 5 prime UTR variant.
Genome position (GRCh38, 1-based): chr9:109,167,248, G>A on the plus strand (C>T on the coding strand, the complement: FRRS1L is on the minus strand). VCF-style: chr9-109167248-G-A. GRCh37 (hg19) VCF-style: chr9-111929528-G-A.
Identifiers: ClinVar variation 1517831 (VCV001517831.8), dbSNP rs2118524592, ClinGen allele CA374431096.